The following is an entry in ClinVar:

NM_052963.3(TOP1MT):c.782A>G (p.Lys261Arg)

Gene: TOP1MT (DNA topoisomerase I mitochondrial; minus strand). Cytogenetic location: 8q24.3.
Variant type: single nucleotide variant.
Coding change: c.782A>G on transcript NM_052963.3 (MANE Select); coding-DNA position 782, A replaced by G.
Protein change: p.Lys261Arg; replaces lysine 261 with arginine.
Molecular consequence: missense variant.
Genome position (GRCh38, 1-based): chr8:143,324,519, T>C on the plus strand (A>G on the coding strand, the complement: TOP1MT is on the minus strand). VCF-style: chr8-143324519-T-C. GRCh37 (hg19) VCF-style: chr8-144406689-T-C.
Other names: c.488A>G, p.Lys163Arg (NM_001258446.1, NM_001258447.1); short protein forms K163R, K261R.
Identifiers: ClinVar variation 2990842 (VCV002990842.4), dbSNP rs751327566, ClinGen allele CA4908683.

ClinVar aggregate classification (germline): Uncertain significance (1 of 4 stars; one submission).

Allele frequency attached by ClinVar (database versions not stated): ExAC 0.00001; gnomAD 0.00001; gnomAD exomes 0.00001; TOPMed 0.00002.
gnomAD v4.1: 11 of 1,613,864 alleles (0.00068%); highest among the groups gnomAD compares: Middle Eastern, 0.016%; no homozygotes.

Submissions (2):

Labcorp Genetics (formerly Invitae), Labcorp
Classification: Uncertain significance. Last evaluated: 2023-11-27. Review status: criteria provided, single submitter. Criteria: Invitae Variant Classification Sherloc (09022015). Collection method: clinical testing. Allele origin: germline.
Comment: This sequence change replaces lysine, which is basic and polar, with arginine, which is basic and polar, at codon 261 of the TOP1MT protein (p.Lys261Arg). This variant is present in population databases (rs751327566, gnomAD 0.002%). This variant has not been reported in the literature in individuals affected with TOP1MT-related conditions. Advanced modeling of protein sequence and biophysical properties (such as structural, functional, and spatial information, amino acid conservation, physicochemical variation, residue mobility, and thermodynamic stability) performed at Invitae indicates that this missense variant is expected to disrupt TOP1MT protein function with a positive predictive value of 80%. Algorithms developed to predict the effect of sequence changes on RNA splicing suggest that this variant may create or strengthen a splice site. In summary, the available evidence is currently insufficient to determine the role of this variant in disease. Therefore, it has been classified as a Variant of Uncertain Significance.

Dr. Peter K. Rogan Lab, Western University
No classification provided (evidence only). Condition: Thyroid cancer, nonmedullary, 1. Review status: no classification provided. Collection method: in vitro. Allele origin: not applicable. Functional consequence: cryptic splice site. Not counted in ClinVar's aggregate classification.